The following is an entry in ClinVar:

NM_020812.4(DOCK6):c.1385A>C (p.Gln462Pro)

Gene: DOCK6 (dedicator of cytokinesis 6; minus strand). Cytogenetic location: 19p13.2.
Variant type: single nucleotide variant.
Coding change: c.1385A>C on transcript NM_020812.4 (MANE Select); coding-DNA position 1385, A replaced by C.
Protein change: p.Gln462Pro; replaces glutamine 462 with proline.
Molecular consequence: missense variant.
Genome position (GRCh38, 1-based): chr19:11,243,259, T>G on the plus strand (A>C on the coding strand, the complement: DOCK6 is on the minus strand). VCF-style: chr19-11243259-T-G. GRCh37 (hg19) VCF-style: chr19-11353935-T-G.
Other names: c.1385A>C, p.Gln462Pro (NM_001367830.1); short protein forms Q462P.
Identifiers: ClinVar variation 3368494 (VCV003368494.1).
Genomic context (GRCh38, chr19:11,243,259, plus strand): 5'-CCCCAGGGCTAATGCAGCCAGCGGGGAGTGGGAGAGTCCCTGGCCCCAGGGTAGGACACC[T>G]GCTTAAAGAAGTTTGTGACAGTTAGCGTGGCTGGACGGAAGCCAGAGAAGCTGCAGGCGT-3'
Protein context (NP_065863.2, residues 452-472): ATLTVTNFFK[Gln462Pro]EAERLSDEDL

ClinVar aggregate classification (germline): Uncertain significance (1 of 4 stars; one submission).

gnomAD v4.1: 2 of 1,612,342 alleles (0.00012%); no homozygotes.

Submission:

GeneDx
Classification: Uncertain significance. Last evaluated: 2024-01-30. Review status: criteria provided, single submitter. Criteria: GeneDx Variant Classification Process June 2021. Collection method: clinical testing. Allele origin: germline. Affected: yes.
Comment: Not observed at significant frequency in large population cohorts (gnomAD); In silico analysis supports that this missense variant has a deleterious effect on protein structure/function and splice predictors supports a deleterious effect on splicing; Has not been previously published as pathogenic or benign to our knowledge